The following is an entry in ClinVar:

NM_006361.6(HOXB13):c.302C>A (p.Ala101Asp)

Gene: HOXB13 (homeobox B13; minus strand). Cytogenetic location: 17q21.32.
Variant type: single nucleotide variant.
Coding change: c.302C>A on transcript NM_006361.6 (MANE Select); coding-DNA position 302, C replaced by A.
Protein change: p.Ala101Asp; replaces alanine 101 with aspartic acid.
Molecular consequence: missense variant.
Genome position (GRCh38, 1-based): chr17:48,728,292, G>T on the plus strand (C>A on the coding strand, the complement: HOXB13 is on the minus strand). VCF-style: chr17-48728292-G-T. GRCh37 (hg19) VCF-style: chr17-46805654-G-T.
Other names: short protein forms A101D.
Identifiers: ClinVar variation 2625783 (VCV002625783.2), dbSNP rs763448911, ClinGen allele CA400107732.
Genomic context (GRCh38, chr17:48,728,292, plus strand): 5'-GGGTACTCTTCCCCGGCCGTGGGAGTCTCCGCGGGGTACGCGGCCAGGGTGGCTGCCTGG[G>T]CACAGGGTTTCAGCGAGCTCCGGGACACTCGGCAGGAGTAGTACCCGCCTCCAAAGTAAC-3'
Protein context (NP_006352.2, residues 91-111): RVSRSSLKPC[Ala101Asp]QAATLAAYPA

ClinVar aggregate classification (germline): Uncertain significance (1 of 4 stars; one submission).

Conditions:
Hereditary cancer-predisposing syndrome. Also called: Tumor predisposition; Hereditary Cancer Syndrome; Hereditary neoplastic syndrome; Neoplastic Syndromes, Hereditary. Identifiers: Orphanet 140162, MedGen C0027672, MeSH D009386, MONDO:0015356.

Submission:

Ambry Genetics
Classification: Uncertain significance for Hereditary cancer-predisposing syndrome. Last evaluated: 2023-09-05. Review status: criteria provided, single submitter. Criteria: Ambry Variant Classification Scheme 2023. Collection method: clinical testing. Allele origin: germline.
Comment: The p.A101D variant (also known as c.302C>A), located in coding exon 1 of the HOXB13 gene, results from a C to A substitution at nucleotide position 302. The alanine at codon 101 is replaced by aspartic acid, an amino acid with dissimilar properties. This amino acid position is conserved. In addition, this alteration is predicted to be tolerated by in silico analysis. Since supporting evidence is limited at this time, the clinical significance of this alteration remains unclear.